The following is an entry in ClinVar:

NM_000180.4(GUCY2D):c.1843C>G (p.Leu615Val)

Gene: GUCY2D (guanylate cyclase 2D, retinal; plus strand). Cytogenetic location: 17p13.1.
Variant type: single nucleotide variant.
Coding change: c.1843C>G on transcript NM_000180.4 (MANE Select); coding-DNA position 1843, C replaced by G.
Protein change: p.Leu615Val; replaces leucine 615 with valine.
Molecular consequence: missense variant.
Genome position (GRCh38, 1-based): chr17:8,012,237, C>G. VCF-style: chr17-8012237-C-G. GRCh37 (hg19) VCF-style: chr17-7915555-C-G.
Other names: short protein forms L615V.
Identifiers: ClinVar variation 1984529 (VCV001984529.4), dbSNP rs763362455, ClinGen allele CA287530922.

ClinVar aggregate classification (germline): Uncertain significance (1 of 4 stars; one submission).

Conditions:
Cone-rod dystrophy 6 (CORD6). Also called: Cone dystrophy progressive; RETINAL CONE DYSTROPHY 2. Identifiers: Orphanet 1872, MedGen C1866293, MONDO:0011143, OMIM 601777.
Leber congenital amaurosis 1 (LCA1). Also called: AMAUROSIS CONGENITA OF LEBER I; RETINAL BLINDNESS, CONGENITAL; Congenital absence of the rods and cones; Leber's congenital tapetoretinal degeneration; Leber's congenital tapetoretinal dysplasia. Identifiers: Orphanet 65, MedGen C2931258, MONDO:0008764, OMIM 204000.

Submission:

Labcorp Genetics (formerly Invitae), Labcorp
Classification: Uncertain significance for Leber congenital amaurosis 1; Cone-rod dystrophy 6. Last evaluated: 2022-05-11. Review status: criteria provided, single submitter. Criteria: Invitae Variant Classification Sherloc (09022015). Collection method: clinical testing. Allele origin: germline.
Comment: In summary, the available evidence is currently insufficient to determine the role of this variant in disease. Therefore, it has been classified as a Variant of Uncertain Significance. Algorithms developed to predict the effect of missense changes on protein structure and function (SIFT, PolyPhen-2, Align-GVGD) all suggest that this variant is likely to be disruptive. This variant has not been reported in the literature in individuals affected with GUCY2D-related conditions. This variant is not present in population databases (gnomAD no frequency). This sequence change replaces leucine, which is neutral and non-polar, with valine, which is neutral and non-polar, at codon 615 of the GUCY2D protein (p.Leu615Val).